The following is an entry in ClinVar:

NM_000217.3(KCNA1):c.582T>C (p.Asp194=)

Gene: KCNA1 (potassium voltage-gated channel subfamily A member 1; plus strand). Cytogenetic location: 12p13.32.
Variant type: single nucleotide variant.
Coding change: c.582T>C on transcript NM_000217.3 (MANE Select); coding-DNA position 582, T replaced by C.
Protein change: p.Asp194=; no amino-acid change (aspartic acid 194 retained).
Molecular consequence: synonymous variant.
Genome position (GRCh38, 1-based): chr12:4,911,960, T>C. VCF-style: chr12-4911960-T-C. GRCh37 (hg19) VCF-style: chr12-5021126-T-C.
Identifiers: ClinVar variation 2642594 (VCV002642594.27), dbSNP rs2497352674, ClinGen allele CA478094298.

ClinVar aggregate classification (germline): Likely benign. Review status: criteria provided, multiple submitters, no conflicts (2 of 4 stars). 2 submissions from 2 submitters: Likely benign (2). Last evaluated 2023-09-05.

Conditions:
Episodic ataxia type 1 (EA1). Also called: ATAXIA, EPISODIC, WITH MYOKYMIA; MYOKYMIA WITH PERIODIC ATAXIA; PAROXYSMAL ATAXIA WITH NEUROMYOTONIA, HEREDITARY; Episodic ataxia/myokymia syndrome. Identifiers: Orphanet 37612, Orphanet 972, MedGen C1719788, MONDO:0008047, OMIM 160120.

Submissions (2):

Labcorp Genetics (formerly Invitae), Labcorp
Classification: Likely benign for Episodic ataxia type 1. Last evaluated: 2023-09-05. Review status: criteria provided, single submitter. Criteria: Invitae Variant Classification Sherloc (09022015). Collection method: clinical testing. Allele origin: germline.

CeGaT Center for Human Genetics Tuebingen
Classification: Likely benign. Last evaluated: 2022-07-01. Review status: criteria provided, single submitter. Criteria: CeGaT Center For Human Genetics Tuebingen Variant Classification Criteria Version 2. Collection method: clinical testing. Allele origin: germline. Affected: yes. Observed: 1 variant allele.
Comment: KCNA1: PM2:Supporting, BP4, BP7